The following is an entry in ClinVar:

ClinVar aggregate classification (germline): Uncertain significance (1 of 4 stars; one submission).

Conditions:
3-methylcrotonyl-CoA carboxylase 1 deficiency (MCC1D). Also called: MCCD TYPE 1; METHYLCROTONYLGLYCINURIA TYPE I; MCC 1 deficiency; 3 Alpha methylcrotonylglycinuria 1. Identifiers: Orphanet 6, MedGen CN028786, MONDO:0008861, OMIM 210200.

gnomAD v4.1: 17 of 1,613,990 alleles (0.0011%); highest among the groups gnomAD compares: African/African-American, 0.021%; no homozygotes.

Submission:

Labcorp Genetics (formerly Invitae), Labcorp
Classification: Uncertain significance for 3-methylcrotonyl-CoA carboxylase 1 deficiency. Last evaluated: 2022-08-11. Review status: criteria provided, single submitter. Criteria: Invitae Variant Classification Sherloc (09022015). Collection method: clinical testing. Allele origin: germline.
Comment: This sequence change replaces lysine, which is basic and polar, with asparagine, which is neutral and polar, at codon 328 of the MCCC1 protein (p.Lys328Asn). This variant is present in population databases (rs142513139, gnomAD 0.02%). This variant has not been reported in the literature in individuals affected with MCCC1-related conditions. Algorithms developed to predict the effect of missense changes on protein structure and function output the following: SIFT: "Deleterious"; PolyPhen-2: "Benign"; Align-GVGD: "Class C0". The asparagine amino acid residue is found in multiple mammalian species, which suggests that this missense change does not adversely affect protein function. In summary, the available evidence is currently insufficient to determine the role of this variant in disease. Therefore, it has been classified as a Variant of Uncertain Significance.

NM_020166.5(MCCC1):c.984A>C (p.Lys328Asn)

Gene: MCCC1 (methylcrotonyl-CoA carboxylase subunit 1; minus strand). Cytogenetic location: 3q27.1.
Variant type: single nucleotide variant.
Coding change: c.984A>C on transcript NM_020166.5 (MANE Select); coding-DNA position 984, A replaced by C.
Protein change: p.Lys328Asn; replaces lysine 328 with asparagine.
Molecular consequence: missense variant. On other transcripts: non-coding transcript variant (2).
Genome position (GRCh38, 1-based): chr3:183,045,512, T>G on the plus strand (A>C on the coding strand, the complement: MCCC1 is on the minus strand). VCF-style: chr3-183045512-T-G. GRCh37 (hg19) VCF-style: chr3-182763300-T-G.
Other names: c.633A>C, p.Lys211Asn (NM_001293273.2); c.657A>C, p.Lys219Asn (NM_001363880.1); short protein forms K211N, K219N, K328N.
Identifiers: ClinVar variation 2420841 (VCV002420841.3), dbSNP rs142513139, ClinGen allele CA2718904.